The following is an entry in ClinVar:

NM_001029883.3(PCARE):c.818A>G (p.Tyr273Cys)

Gene: PCARE (photoreceptor cilium actin regulator; minus strand). Cytogenetic location: 2p23.2.
Variant type: single nucleotide variant.
Coding change: c.818A>G on transcript NM_001029883.3 (MANE Select); coding-DNA position 818, A replaced by G.
Protein change: p.Tyr273Cys; replaces tyrosine 273 with cysteine.
Molecular consequence: missense variant.
Genome position (GRCh38, 1-based): chr2:29,073,444, T>C on the plus strand (A>G on the coding strand, the complement: PCARE is on the minus strand). VCF-style: chr2-29073444-T-C. GRCh37 (hg19) VCF-style: chr2-29296310-T-C.
Other names: short protein forms Y273C.
Identifiers: ClinVar variation 1380729 (VCV001380729.7), dbSNP rs373472347, ClinGen allele CA1592560.

ClinVar aggregate classification (germline): Uncertain significance. Review status: criteria provided, multiple submitters, no conflicts (2 of 4 stars). 2 submissions from 2 submitters: Uncertain significance (2). Last evaluated 2023-07-17.

Allele frequency attached by ClinVar (database versions not stated): gnomAD 0.00001; gnomAD exomes 0.00001 and 0.00002; TOPMed 0.00001; ExAC 0.00002; ESP Exome Variant Server 0.00016.
gnomAD v4.1: 31 of 1,614,076 alleles (0.0019%); highest among the groups gnomAD compares: Non-Finnish European, 0.0026%; no homozygotes.

Submissions (2):

Labcorp Genetics (formerly Invitae), Labcorp
Classification: Uncertain significance. Last evaluated: 2023-07-17. Review status: criteria provided, single submitter. Criteria: Invitae Variant Classification Sherloc (09022015). Collection method: clinical testing. Allele origin: germline.
Comment: This variant is present in population databases (rs373472347, gnomAD 0.004%). This sequence change replaces tyrosine, which is neutral and polar, with cysteine, which is neutral and slightly polar, at codon 273 of the PCARE protein (p.Tyr273Cys). This variant has not been reported in the literature in individuals affected with PCARE-related conditions. In summary, the available evidence is currently insufficient to determine the role of this variant in disease. Therefore, it has been classified as a Variant of Uncertain Significance. An algorithm developed to predict the effect of missense changes on protein structure and function (PolyPhen-2) suggests that this variant is likely to be disruptive. ClinVar contains an entry for this variant (Variation ID: 1380729).

Blueprint Genetics
Classification: Uncertain significance. Last evaluated: 2022-09-16. Review status: criteria provided, single submitter. Criteria: ACMG Guidelines, 2015. Collection method: clinical testing. Allele origin: germline.